The following is an entry in ClinVar:

ClinVar aggregate classification (germline): Conflicting classifications of pathogenicity. Review status: criteria provided, conflicting classifications (1 of 4 stars). 2 submissions from 2 submitters: Uncertain significance (1); Likely benign (1). Last evaluated 2026-05-17.

Conditions:
SLC17A8-related disorder. Also called: SLC17A8-related condition.

Allele frequency attached by ClinVar (database versions not stated): ExAC 0.00002; gnomAD exomes 0.00004; gnomAD 0.00005 and 0.00006; TOPMed 0.00005; ESP Exome Variant Server 0.00008.
gnomAD v4.1: 64 of 1,613,332 alleles (0.004%); highest among the groups gnomAD compares: Admixed American, 0.015%; no homozygotes.

Submissions (2):

PreventionGenetics, part of Exact Sciences
Classification: Likely benign for SLC17A8-related condition. Last evaluated: 2026-05-17. Review status: criteria provided, single submitter. Criteria: ACMG Guidelines, 2015. Collection method: clinical testing. Allele origin: germline.
Comment: This variant is classified as likely benign based on ACMG/AMP sequence variant interpretation guidelines (Richards et al. 2015 PMID: 25741868, with internal and published modifications).

Eurofins Ntd Llc (ga)
Classification: Uncertain significance. Last evaluated: 2017-01-03. Review status: criteria provided, single submitter. Criteria: EGL Classification Definitions 2015. Collection method: clinical testing. Allele origin: germline. Observed: 1 variant allele, 1 heterozygote.

NM_139319.3(SLC17A8):c.552C>T (p.Cys184=)

Gene: SLC17A8 (solute carrier family 17 member 8; plus strand). Cytogenetic location: 12q23.1.
Variant type: single nucleotide variant.
Coding change: c.552C>T on transcript NM_139319.3 (MANE Select); coding-DNA position 552, C replaced by T.
Protein change: p.Cys184=; no amino-acid change (cysteine 184 retained).
Molecular consequence: synonymous variant.
Genome position (GRCh38, 1-based): chr12:100,393,447, C>T. VCF-style: chr12-100393447-C-T. GRCh37 (hg19) VCF-style: chr12-100787225-C-T.
Other names: c.552C>T, p.Cys184= (NM_001145288.2); c.552C>T (NM_139319.2).
Identifiers: ClinVar variation 499160 (VCV000499160.6), dbSNP rs139101406, ClinGen allele CA6738780.
Genomic context (GRCh38, chr12:100,393,447, plus strand): 5'-CTTCTTAACATCGACTCTGAACATGTTTATTCCCTCTGCAGCCAGAGTGCATTACGGATG[C>T]GTCATGTGTGTCAGAATTCTGCAAGGTTTAGTGGAGGTAGGAGATACTTTCCTTACAGTT-3'
Protein context (NP_647480.1, residues 174-194): IPSAARVHYG[Cys184=]VMCVRILQGL